The following is an entry in ClinVar:

NM_152730.6(TBC1D32):c.1733+5G>T

Gene: TBC1D32 (TBC1 domain family member 32; minus strand). Cytogenetic location: 6q22.31.
Variant type: single nucleotide variant.
Coding change: c.1733+5G>T on transcript NM_152730.6 (MANE Select); 5 bases into the intron after coding-DNA position 1733, G replaced by T.
Molecular consequence: intron variant.
Genome position (GRCh38, 1-based): chr6:121,279,116, C>A on the plus strand (G>T on the coding strand, the complement: TBC1D32 is on the minus strand). VCF-style: chr6-121279116-C-A. GRCh37 (hg19) VCF-style: chr6-121600262-C-A.
Other names: c.1733+5G>T (NM_001367759.1, NM_001367760.1).
Identifiers: ClinVar variation 2275497 (VCV002275497.2), dbSNP rs370817402, ClinGen allele CA3981074.

ClinVar aggregate classification (germline): Uncertain significance (1 of 4 stars; one submission).

Conditions:
Inborn genetic diseases. Identifiers: MedGen C0950123, MeSH D030342.

Allele frequency attached by ClinVar (database versions not stated): ExAC 0.00001; TOPMed 0.00003; gnomAD exomes 0.00005; ESP Exome Variant Server 0.00009.
gnomAD v4.1: 70 of 1,589,662 alleles (0.0044%); highest among the groups gnomAD compares: Non-Finnish European, 0.0057%; no homozygotes.

Submission:

Ambry Genetics
Classification: Uncertain significance for Inborn genetic diseases. Last evaluated: 2022-03-15. Review status: criteria provided, single submitter. Criteria: Ambry Variant Classification Scheme 2023. Collection method: clinical testing. Allele origin: germline.
Comment: The c.1733+5G>T intronic alteration consists of a G to T substitution nucleotides after coding exon 15 in the TBC1D32 gene. Based on insufficient or conflicting evidence, the clinical significance of this alteration remains unclear.